The following is an entry in ClinVar:

NM_005235.3(ERBB4):c.1050C>T (p.Ser350=)

Gene: ERBB4 (erb-b2 receptor tyrosine kinase 4; minus strand). Cytogenetic location: 2q34.
Variant type: single nucleotide variant.
Coding change: c.1050C>T on transcript NM_005235.3 (MANE Select); coding-DNA position 1050, C replaced by T.
Protein change: p.Ser350=; no amino-acid change (serine 350 retained).
Molecular consequence: synonymous variant.
Genome position (GRCh38, 1-based): chr2:211,712,124, G>A on the plus strand (C>T on the coding strand, the complement: ERBB4 is on the minus strand). VCF-style: chr2-211712124-G-A. GRCh37 (hg19) VCF-style: chr2-212576849-G-A.
Other names: c.1050C>T, p.Ser350= (NM_001042599.2).
Identifiers: ClinVar variation 3389288 (VCV003389288.14).

ClinVar aggregate classification (germline): Likely benign (1 of 4 stars; one submission).

Submission:

CeGaT Center for Human Genetics Tuebingen
Classification: Likely benign. Last evaluated: 2024-09-01. Review status: criteria provided, single submitter. Criteria: CeGaT Center For Human Genetics Tuebingen Variant Classification Criteria Version 2. Collection method: clinical testing. Allele origin: germline. Affected: yes. Observed: 1 variant allele.
Comment: ERBB4: PM2:Supporting, BP4, BP7